The following is an entry in ClinVar:

NM_001267550.2(TTN):c.73646C>G (p.Ser24549Ter)

Genes: TTN (titin; minus strand), TTN-AS1 (TTN antisense RNA 1; plus strand). Cytogenetic location: 2q31.2.
Variant type: single nucleotide variant.
Coding change: c.73646C>G on transcript NM_001267550.2 (MANE Select); coding-DNA position 73646, C replaced by G.
Protein change: p.Ser24549Ter; replaces serine 24549 with a stop codon.
Molecular consequence: nonsense.
Genome position (GRCh38, 1-based): chr2:178,572,486, G>C on the plus strand (C>G on the coding strand, the complement: TTN is on the minus strand). VCF-style: chr2-178572486-G-C. GRCh37 (hg19) VCF-style: chr2-179437213-G-C.
Other names: c.68723C>G, p.Ser22908Ter (NM_001256850.1); c.46451C>G, p.Ser15484Ter (NM_003319.4); c.65942C>G, p.Ser21981Ter (NM_133378.4); c.46826C>G, p.Ser15609Ter (NM_133432.3); c.47027C>G, p.Ser15676Ter (NM_133437.4); short protein forms S15676*, S21981*, S15484*, S15609*, S22908*, S24549*.
Identifiers: ClinVar variation 2025609 (VCV002025609.4), dbSNP rs2468538445, ClinGen allele CA349637865.

ClinVar aggregate classification (germline): Likely pathogenic (1 of 4 stars; one submission).

Conditions:
Dilated cardiomyopathy 1G (CMD1G). Identifiers: Orphanet 154, MedGen C1858763, MONDO:0011400, OMIM 604145.
Autosomal recessive limb-girdle muscular dystrophy type 2J (LGMDR10). Also called: Limb-girdle muscular dystrophy, type 2J; MUSCULAR DYSTROPHY, LIMB-GIRDLE, AUTOSOMAL RECESSIVE 10. Identifiers: Orphanet 140922, MedGen C1837342, MONDO:0012127, OMIM 608807.

Submission:

Labcorp Genetics (formerly Invitae), Labcorp
Classification: Likely pathogenic for Dilated cardiomyopathy 1G; Autosomal recessive limb-girdle muscular dystrophy type 2J. Last evaluated: 2022-03-14. Review status: criteria provided, single submitter. Criteria: Invitae Variant Classification Sherloc (09022015). Collection method: clinical testing. Allele origin: germline.
Comment: In summary, the currently available evidence indicates that the variant is pathogenic, but additional data are needed to prove that conclusively. Therefore, this variant has been classified as Likely Pathogenic. This variant is located in the A band of TTN (PMID: 25589632). Truncating variants in this region are significantly overrepresented in patients affected with dilated cardiomyopathy (PMID: 25589632). Truncating variants in this region have also been reported in individuals affected with autosomal recessive centronuclear myopathy (PMID: 23975875). This variant has not been reported in the literature in individuals affected with TTN-related conditions. This variant is not present in population databases (gnomAD no frequency). This sequence change creates a premature translational stop signal (p.Ser24549*) in the TTN gene. While this is not anticipated to result in nonsense mediated decay, it is expected to disrupt the last 11443 amino acid(s) of the TTN protein.

Literature cited by the submitters: PubMed 25589632; PubMed 23975875.